The following is an entry in ClinVar:

ClinVar aggregate classification (germline): Likely benign (1 of 4 stars; one submission).

Conditions:
Ehlers-Danlos syndrome, type 4 (EDSVASC). Also called: Ehlers-Danlos Syndrome Type IV; Ehlers-Danlos syndrome vascular type; Ehlers Danlos syndrome, ecchymotic type; Ehlers Danlos syndrome, arterial type; Ehlers Danlos syndrome, Sack-Barabas type. Identifiers: Orphanet 286, MedGen C0268338, MONDO:0017314, OMIM 130050.

Allele frequency attached by ClinVar (database versions not stated): TOPMed below 0.00001; gnomAD 0.00001.
gnomAD v4.1: 1 of 1,613,792 alleles (0.000062%); highest among the groups gnomAD compares: Non-Finnish European, 0.000085%; no homozygotes.

Submission:

All of Us Research Program, National Institutes of Health
Classification: Likely benign for Ehlers-Danlos syndrome, type 4. Last evaluated: 2023-08-15. Review status: criteria provided, single submitter. Criteria: ACMG Guidelines, 2015. Collection method: clinical testing. Allele origin: germline. Inheritance: Autosomal dominant inheritance. Observed: 1 variant allele, 1 heterozygote.
Comment: This study involves interpretation of variants in research participants for the purpose of population health screening. Participant phenotype was not available at the time of variant classification. Additional details can be found in publication PMID: 35346344, PMCID: PMC8962531

NM_000090.4(COL3A1):c.4374G>A (p.Val1458=)

Gene: COL3A1 (collagen type III alpha 1 chain; plus strand). Cytogenetic location: 2q32.2.
Variant type: single nucleotide variant.
Coding change: c.4374G>A on transcript NM_000090.4 (MANE Select); coding-DNA position 4374, G replaced by A.
Protein change: p.Val1458=; no amino-acid change (valine 1458 retained).
Molecular consequence: synonymous variant.
Genome position (GRCh38, 1-based): chr2:189,011,747, G>A. VCF-style: chr2-189011747-G-A. GRCh37 (hg19) VCF-style: chr2-189876473-G-A.
Identifiers: ClinVar variation 3072981 (VCV003072981.1), dbSNP rs1688732588, ClinGen allele CA430315446.